The following is an entry in ClinVar:

ClinVar aggregate classification (germline): Likely benign. Review status: criteria provided, multiple submitters, no conflicts (2 of 4 stars). 3 submissions from 3 submitters: Likely benign (3). Last evaluated 2025-12-24.

Conditions:
Hereditary nonpolyposis colorectal neoplasms. Identifiers: MedGen C0009405, MeSH D003123.
Hereditary cancer-predisposing syndrome. Also called: Hereditary Cancer Syndrome; Neoplastic Syndromes, Hereditary; Tumor predisposition; Hereditary neoplastic syndrome. Identifiers: Orphanet 140162, MedGen C0027672, MeSH D009386, MONDO:0015356.
Lynch syndrome 4 (LYNCH4). Also called: Hereditary non-polyposis colorectal cancer, type 4; Colorectal cancer, hereditary nonpolyposis, type 4. Identifiers: Orphanet 144, MedGen C1838333, MONDO:0013699, OMIM 614337. Disease mechanism: loss of function.

Allele frequency attached by ClinVar (database versions not stated): gnomAD 0.00001; TOPMed 0.00001.

Submissions (3):

Labcorp Genetics (formerly Invitae), Labcorp
Classification: Likely benign for Hereditary nonpolyposis colorectal neoplasms. Last evaluated: 2025-12-24. Review status: criteria provided, single submitter. Criteria: Invitae Variant Classification Sherloc (09022015). Collection method: clinical testing. Allele origin: germline.

Myriad Genetics, Inc.
Classification: Likely benign for Lynch syndrome 4. Last evaluated: 2025-02-03. Review status: criteria provided, single submitter. Criteria: Myriad Autosomal Dominant, Autosomal Recessive and X-Linked Classification Criteria (2023). Collection method: clinical testing. Allele origin: unknown.
Comment: This variant is considered likely benign. This variant is intronic and is not expected to impact mRNA splicing.

Color Diagnostics, LLC DBA Color Health
Classification: Likely benign for Hereditary cancer-predisposing syndrome. Last evaluated: 2023-03-06. Review status: criteria provided, single submitter. Criteria: ACMG Guidelines, 2015. Collection method: clinical testing. Allele origin: germline.

NM_000535.7(PMS2):c.2276-14T>C

Gene: PMS2 (PMS1 homolog 2, mismatch repair system component; minus strand). Cytogenetic location: 7p22.1.
Variant type: single nucleotide variant.
Coding change: c.2276-14T>C on transcript NM_000535.7 (MANE Select); 14 bases into the intron before coding-DNA position 2276, T replaced by C.
Molecular consequence: intron variant. On other transcripts: synonymous variant (2).
Genome position (GRCh38, 1-based): chr7:5,977,771, A>G on the plus strand (T>C on the coding strand, the complement: PMS2 is on the minus strand). VCF-style: chr7-5977771-A-G. GRCh37 (hg19) VCF-style: chr7-6017402-A-G.
Other names: c.1890T>C, p.Asn630= (NM_001322009.2); c.2295T>C, p.Asn765= (NM_001322014.2); c.1958-14T>C (NM_001322008.2, NM_001322007.2); c.1715-14T>C (NM_001322010.2); c.1871-14T>C (NM_001322004.2, NM_001322003.2, NM_001322005.2); c.1703-14T>C (NM_001322013.2); c.1343-14T>C (NM_001322012.2, NM_001322011.2); c.1967-14T>C (NM_001322015.2); and 1 more.
Identifiers: ClinVar variation 1636626 (VCV001636626.11), dbSNP rs1178201870, ClinGen allele CA840180926.